The following is an entry in ClinVar:

NM_002203.4(ITGA2):c.1834A>G (p.Arg612Gly)

Gene: ITGA2 (integrin subunit alpha 2; plus strand). Cytogenetic location: 5q11.2.
Variant type: single nucleotide variant.
Coding change: c.1834A>G on transcript NM_002203.4 (MANE Select); coding-DNA position 1834, A replaced by G.
Protein change: p.Arg612Gly; replaces arginine 612 with glycine.
Molecular consequence: missense variant. On other transcripts: non-coding transcript variant (5).
Genome position (GRCh38, 1-based): chr5:53,065,868, A>G. VCF-style: chr5-53065868-A-G. GRCh37 (hg19) VCF-style: chr5-52361698-A-G.
Other names: short protein forms R612G.
Identifiers: ClinVar variation 3346580 (VCV003346580.1).

ClinVar aggregate classification (germline): Uncertain significance (0 of 4 stars; one submission).

Conditions:
ITGA2-related disorder. Also called: ITGA2-related condition.

Submission:

PreventionGenetics, part of Exact Sciences
Classification: Uncertain significance for ITGA2-related condition. Last evaluated: 2024-07-23. Review status: no assertion criteria provided. Collection method: clinical testing. Allele origin: germline.
Comment: The ITGA2 c.1834A>G variant is predicted to result in the amino acid substitution p.Arg612Gly. To our knowledge, this variant has not been reported in the literature or in a large population database, indicating this variant is rare. At this time, the clinical significance of this variant is uncertain due to the absence of conclusive functional and genetic evidence.